The following is an entry in ClinVar:

NM_032816.5(CEP89):c.2058C>G (p.Tyr686Ter)

Gene: CEP89 (centrosomal protein 89; minus strand). Cytogenetic location: 19q13.11.
Variant type: single nucleotide variant.
Coding change: c.2058C>G on transcript NM_032816.5 (MANE Select); coding-DNA position 2058, C replaced by G.
Protein change: p.Tyr686Ter; replaces tyrosine 686 with a stop codon.
Molecular consequence: nonsense.
Genome position (GRCh38, 1-based): chr19:32,881,921, G>C on the plus strand (C>G on the coding strand, the complement: CEP89 is on the minus strand). VCF-style: chr19-32881921-G-C. GRCh37 (hg19) VCF-style: chr19-33372827-G-C.
Other names: short protein forms Y686*.
Identifiers: ClinVar variation 1464990 (VCV001464990.8), dbSNP rs200051100, ClinGen allele CA9359096.

ClinVar aggregate classification (germline): Uncertain significance. Review status: criteria provided, multiple submitters, no conflicts (2 of 4 stars). 2 submissions from 2 submitters: Uncertain significance (2). Last evaluated 2025-01-11.

Allele frequency attached by ClinVar (database versions not stated): gnomAD 0.00002 and 0.00003; TOPMed 0.00004.
gnomAD v4.1: 25 of 1,604,676 alleles (0.0016%); highest among the groups gnomAD compares: Admixed American, 0.037%; no homozygotes.

Submissions (2):

Labcorp Genetics (formerly Invitae), Labcorp
Classification: Uncertain significance. Last evaluated: 2025-01-11. Review status: criteria provided, single submitter. Criteria: Invitae Variant Classification Sherloc (09022015). Collection method: clinical testing. Allele origin: germline.
Comment: This sequence change creates a premature translational stop signal (p.Tyr686*) in the CEP89 gene. It is expected to result in an absent or disrupted protein product. However, the current clinical and genetic evidence is not sufficient to establish whether loss-of-function variants in CEP89 cause disease. This variant is present in population databases (rs200051100, gnomAD 0.05%). This variant has not been reported in the literature in individuals affected with CEP89-related conditions. ClinVar contains an entry for this variant (Variation ID: 1464990). Experimental studies and prediction algorithms are not available or were not evaluated, and the functional significance of this variant is currently unknown. In summary, the available evidence is currently insufficient to determine the role of this variant in disease. Therefore, it has been classified as a Variant of Uncertain Significance.

Revvity Omics, Revvity
Classification: Uncertain significance. Last evaluated: 2019-11-21. Review status: criteria provided, single submitter. Criteria: ACMG Guidelines, 2015. Collection method: clinical testing. Allele origin: germline.